The following is an entry in ClinVar:

ClinVar aggregate classification (germline): Uncertain significance (1 of 4 stars; one submission).

Submission:

GeneDx
Classification: Uncertain significance. Last evaluated: 2024-05-30. Review status: criteria provided, single submitter. Criteria: GeneDx Variant Classification Process June 2021. Collection method: clinical testing. Allele origin: germline. Affected: yes.
Comment: Not observed at significant frequency in large population cohorts (gnomAD); In silico analysis supports that this missense variant has a deleterious effect on protein structure/function; In silico analysis supports a deleterious effect on splicing; Has not been previously published as pathogenic or benign to our knowledge

NM_006445.4(PRPF8):c.5630T>A (p.Leu1877Gln)

Gene: PRPF8 (pre-mRNA processing factor 8; minus strand). Cytogenetic location: 17p13.3.
Variant type: single nucleotide variant.
Coding change: c.5630T>A on transcript NM_006445.4 (MANE Select); coding-DNA position 5630, T replaced by A.
Protein change: p.Leu1877Gln; replaces leucine 1877 with glutamine.
Molecular consequence: missense variant.
Genome position (GRCh38, 1-based): chr17:1,656,555, A>T on the plus strand (T>A on the coding strand, the complement: PRPF8 is on the minus strand). VCF-style: chr17-1656555-A-T. GRCh37 (hg19) VCF-style: chr17-1559849-A-T.
Other names: short protein forms L1877Q.
Identifiers: ClinVar variation 3383617 (VCV003383617.1).